The following is an entry in ClinVar:

NM_020778.5(ALPK3):c.4899C>G (p.Pro1633=)

Gene: ALPK3 (alpha kinase 3; plus strand). Cytogenetic location: 15q25.3.
Variant type: single nucleotide variant.
Coding change: c.4899C>G on transcript NM_020778.5 (MANE Select); coding-DNA position 4899, C replaced by G.
Protein change: p.Pro1633=; no amino-acid change (proline 1633 retained).
Molecular consequence: synonymous variant.
Genome position (GRCh38, 1-based): chr15:84,868,237, C>G. VCF-style: chr15-84868237-C-G. GRCh37 (hg19) VCF-style: chr15-85411468-C-G.
Identifiers: ClinVar variation 1219129 (VCV001219129.16), dbSNP rs143514559, ClinGen allele CA7710112.
Genomic context (GRCh38, chr15:84,868,237, plus strand): 5'-CAATGCCTACTGTGAGCTGCTGGGGCTGACACCTCTCAAGGGCCCGGAGGCGGCCCACCC[C>G]CAAGCCAAAGCCAAAGGCTCTAAGAGTCCATCTGCTGGCAGGAAAGGCTCCCAGCTGAGT-3'
Protein context (NP_065829.4, residues 1623-1643): TPLKGPEAAH[Pro1633=]QAKAKGSKSP

ClinVar aggregate classification (germline): Likely benign. Review status: criteria provided, multiple submitters, no conflicts (2 of 4 stars). 6 submissions from 6 submitters: Likely benign (6). Last evaluated 2026-01-27.

Conditions:
ALPK3-related disorder. Also called: ALPK3-related condition.
Cardiovascular phenotype. Identifiers: MedGen CN230736.

Allele frequency attached by ClinVar (database versions not stated): ESP Exome Variant Server 0.00008; gnomAD 0.00023 and 0.00026.
gnomAD v4.1: 64 of 1,614,096 alleles (0.004%); highest among the groups gnomAD compares: African/African-American, 0.077%; no homozygotes.

Submissions (6):

Labcorp Genetics (formerly Invitae), Labcorp
Classification: Likely benign. Last evaluated: 2026-01-27. Review status: criteria provided, single submitter. Criteria: Invitae Variant Classification Sherloc (09022015). Collection method: clinical testing. Allele origin: germline.

PreventionGenetics, part of Exact Sciences
Classification: Likely benign for ALPK3-related condition. Last evaluated: 2025-06-30. Review status: criteria provided, single submitter. Criteria: ACMG Guidelines, 2015. Collection method: clinical testing. Allele origin: germline.
Comment: This variant is classified as likely benign based on ACMG/AMP sequence variant interpretation guidelines (Richards et al. 2015 PMID: 25741868, with internal and published modifications).

Molecular Diagnostic Laboratory for Inherited Cardiovascular Disease, Montreal Heart Institute
Classification: Likely benign. Last evaluated: 2025-04-09. Review status: criteria provided, single submitter. Criteria: ACMG Guidelines, 2015. Collection method: clinical testing. Allele origin: germline. Affected: no.

Blueprint Genetics
Classification: Likely benign. Last evaluated: 2021-06-18. Review status: criteria provided, single submitter. Criteria: ACMG Guidelines, 2015. Collection method: clinical testing. Allele origin: germline.

GeneDx
Classification: Likely benign. Last evaluated: 2021-03-13. Review status: criteria provided, single submitter. Criteria: GeneDx Variant Classification Process June 2021. Collection method: clinical testing. Allele origin: germline. Affected: yes.

Ambry Genetics
Classification: Likely benign for Cardiovascular phenotype. Last evaluated: 2019-06-14. Review status: criteria provided, single submitter. Criteria: Ambry Variant Classification Scheme 2023. Collection method: clinical testing. Allele origin: germline.